The following is an entry in ClinVar:

NM_147127.5(EVC2):c.871-2_894del

Gene: EVC2 (EvC ciliary complex subunit 2; minus strand). Cytogenetic location: 4p16.2.
Variant type: Deletion.
Coding change: c.871-2_894del on transcript NM_147127.5 (MANE Select); the canonical splice acceptor site of the intron before coding-DNA position 871 through coding-DNA position 894, 26 bases deleted (AGGTTCTGCCGCACCACGGCCTCCAC).
Molecular consequence: splice acceptor variant.
Genome position (GRCh38, 1-based): chr4:5,665,626-5,665,651, GTGGAGGCCGTGGTGCGGCAGAACCT deleted on the plus strand (AGGTTCTGCCGCACCACGGCCTCCAC on the coding strand, the reverse complement: EVC2 is on the minus strand); deleting any 26 consecutive bases within chr4:5,665,626-5,665,657 gives the same sequence; the c. name uses the placement nearest the transcript's 3' end. VCF-style (leftmost placement, unchanged base first): chr4-5665625-CGTGGAGGCCGTGGTGCGGCAGAACCT-C. GRCh37 (hg19) VCF-style: chr4-5667352-CGTGGAGGCCGTGGTGCGGCAGAACCT-C.
Other names: c.871-2_894del26 (NM_147127.4); c.631-2_654del (NM_001166136.2).
Identifiers: ClinVar variation 553798 (VCV000553798.13), dbSNP rs755789146, ClinGen allele CA2835233.

ClinVar aggregate classification (germline): Pathogenic. Review status: criteria provided, multiple submitters, no conflicts (2 of 4 stars). 5 submissions from 5 submitters: Pathogenic (4). 1 of the submissions does not count toward it. Last evaluated 2025-05-29.

Conditions:
Ellis-van Creveld syndrome (EVC). Also called: Chondroectodermal dysplasia; MESOECTODERMAL DYSPLASIA. Identifiers: Orphanet 289, MedGen C0013903, MONDO:0009162, OMIM 225500.
Curry-Hall syndrome (WAD). Also called: WEYERS ACRODENTAL DYSOSTOSIS. Identifiers: Orphanet 952, MedGen C0457013, MONDO:0008673, OMIM 193530.

Submissions (5):

3billion
Classification: Pathogenic for Ellis-van Creveld syndrome. Last evaluated: 2025-05-29. Review status: criteria provided, single submitter. Criteria: ACMG Guidelines, 2015. Collection method: clinical testing. Allele origin: germline. Affected: yes.
Comment: The variant is observed at an extremely low frequency in the gnomAD v4.1.0 dataset (total allele frequency: <0.001%). Predicted Consequence/Location: Canonical splice site: predicted to alter splicing and result in a loss or disruption of normal protein function. Multiple pathogenic loss-of-function variants are reported downstream of the variant. The variant has been reported at least twice as pathogenic without evidence for the classification (ClinVar ID: VCV000553798 /3billion dataset). Therefore, this variant is classified as Pathogenic according to the recommendation of ACMG/AMP guideline.

Myriad Genetics, Inc.
Classification: Pathogenic for Ellis-van Creveld syndrome. Last evaluated: 2025-04-01. Review status: criteria provided, single submitter. Criteria: Myriad Autosomal Dominant, Autosomal Recessive and X-Linked Classification Criteria (2023). Collection method: clinical testing. Allele origin: unknown.
Comment: NM_147127.4(EVC2):c.871-2_894del26 is a variant in a canonical splice site classified as pathogenic in the context of EVC2-related Ellis-van Creveld syndrome. c.871-2_894del26 has been observed in cases with relevant disease (PMID: 37485807, 21199751). Relevant functional assessments of this variant are not available in the literature. c.871-2_894del26 has been observed in referenced population frequency databases. In summary, NM_147127.4(EVC2):c.871-2_894del26 is a variant in a canonical splice site that has been observed more frequently in cases with the relevant disease than in healthy populations. Please note: this variant was assessed in the context of healthy population screening.

Labcorp Genetics (formerly Invitae), Labcorp
Classification: Pathogenic for Curry-Hall syndrome; Ellis-van Creveld syndrome. Last evaluated: 2023-09-21. Review status: criteria provided, single submitter. Criteria: Invitae Variant Classification Sherloc (09022015). Collection method: clinical testing. Allele origin: germline.
Comment: This variant results in the deletion of part of exon 8 (c.871-2_894del) of the EVC2 gene. It is expected to disrupt RNA splicing. Variants that disrupt the donor or acceptor splice site typically lead to a loss of protein function (PMID: 16199547), and loss-of-function variants in EVC2 are known to be pathogenic (PMID: 17024374, 19810119, 19876929). This variant is present in population databases (rs755789146, gnomAD 0.006%). For these reasons, this variant has been classified as Pathogenic. ClinVar contains an entry for this variant (Variation ID: 553798). This variant has been observed in individual(s) with Ellis-van Creveld syndrome (PMID: 21199751). In at least one individual the data is consistent with being in trans (on the opposite chromosome) from a pathogenic variant. It has also been observed to segregate with disease in related individuals.

Juno Genomics, Hangzhou Juno Genomics, Inc
Classification: Pathogenic for Ellis-van Creveld syndrome. Review status: criteria provided, single submitter. Criteria: ACMG Guidelines, 2015. Collection method: clinical testing. Allele origin: germline.
Comment: Absent from controls (or at extremely low frequency if recessive) in Genome Aggregation Database.;Null variant in a gene where loss of function (LOF) is a known mechanism of disease.;For recessive disorders, detected in trans with a pathogenic variant.;Patient's phenotype or family history is highly specific for a disease with a single genetic etiology.

Counsyl
Classification: Likely pathogenic for Ellis-van Creveld syndrome. Last evaluated: 2017-09-07. Review status: no assertion criteria provided. Collection method: clinical testing. Allele origin: unknown. Not counted in ClinVar's aggregate classification.

Literature cited by the submitters: PubMed 21199751 (cited by 3 submitters); PubMed 37485807 (cited by Myriad Genetics, Inc.); PubMed 16199547 (cited by Labcorp Genetics (formerly Invitae), Labcorp); PubMed 17024374 (cited by Labcorp Genetics (formerly Invitae), Labcorp); PubMed 19810119 (cited by Labcorp Genetics (formerly Invitae), Labcorp); PubMed 19876929 (cited by Labcorp Genetics (formerly Invitae), Labcorp).